The following is an entry in ClinVar:

NM_006267.5(RANBP2):c.80_83del (p.Met27fs)

Gene: RANBP2 (RAN binding protein 2; plus strand). Cytogenetic location: 2q13.
Variant type: Deletion.
Coding change: c.80_83del on transcript NM_006267.5 (MANE Select); coding-DNA positions 80 to 83, 4 bases deleted (TGAA; older notation c.80_83delTGAA).
Protein change: p.Met27fs; shifts the reading frame from methionine 27.
Molecular consequence: frameshift variant.
Genome position (GRCh38, 1-based): chr2:108,729,139-108,729,142, TGAA deleted; deleting any 4 consecutive bases within chr2:108,729,137-108,729,142 gives the same sequence; the c. name uses the placement nearest the transcript's 3' end. VCF-style (leftmost placement, unchanged base first): chr2-108729136-CAATG-C. GRCh37 (hg19) VCF-style: chr2-109345592-CAATG-C.
Other names: c.80_83del, p.Met27fs (NM_001415871.1, NM_001415873.1); c.77_80del, p.Met26fs (NM_001415872.1); short protein forms M26fs, M27fs.
Identifiers: ClinVar variation 3908028 (VCV003908028.1).

ClinVar aggregate classification (germline): Uncertain significance (1 of 4 stars; one submission).

Submission:

GeneDx
Classification: Uncertain significance. Last evaluated: 2024-12-26. Review status: criteria provided, single submitter. Criteria: GeneDx Variant Classification Process June 2021. Collection method: clinical testing. Allele origin: germline. Affected: yes.
Comment: Not observed at significant frequency in large population cohorts (gnomAD); Frameshift variant predicted to result in protein truncation or nonsense mediated decay in a gene or region of a gene for which loss of function is not a well-established mechanism of disease; Has not been previously published as pathogenic or benign to our knowledge